The following is an entry in ClinVar:

NM_014363.6(SACS):c.11747T>A (p.Leu3916Ter)

Gene: SACS (sacsin molecular chaperone; minus strand). Cytogenetic location: 13q12.12.
Variant type: single nucleotide variant.
Coding change: c.11747T>A on transcript NM_014363.6 (MANE Select); coding-DNA position 11747, T replaced by A.
Protein change: p.Leu3916Ter; replaces leucine 3916 with a stop codon.
Molecular consequence: nonsense.
Genome position (GRCh38, 1-based): chr13:23,332,129, A>T on the plus strand (T>A on the coding strand, the complement: SACS is on the minus strand). VCF-style: chr13-23332129-A-T. GRCh37 (hg19) VCF-style: chr13-23906268-A-T.
Other names: c.11306T>A, p.Leu3769Ter (NM_001278055.2); c.11774T>A, p.Leu3925Ter (NM_001437336.1); short protein forms L3769*, L3916*, L3925*.
Identifiers: ClinVar variation 5003567 (VCV005003567.1).
Genomic context (GRCh38, chr13:23,332,129, plus strand): 5'-CCCTGGATTCTACTTTTATAATGTGGCGCATCGTCAAACACTAAGATGCTTGACTTTACC[A>T]ATCTACCATCCTGGCTTGGGAGGTAAAGCGCAAGGTCTCGTACATTCTCGAGATCACTCC-3'

ClinVar aggregate classification (germline): Pathogenic (1 of 4 stars; one submission).

Conditions:
Charlevoix-Saguenay spastic ataxia (SACS). Also called: SPASTIC ATAXIA 6, AUTOSOMAL RECESSIVE; AUTOSOMAL RECESSIVE SPASTIC ATAXIA OF CHARLEVOIX-SAGUENAY; Spastic ataxia of Charlevoix-Saguenay. Identifiers: Orphanet 98, MedGen C1849140, MONDO:0010041, OMIM 270550.

Submission:

Myriad Genetics, Inc.
Classification: Pathogenic for Charlevoix-Saguenay spastic ataxia. Last evaluated: 2026-03-25. Review status: criteria provided, single submitter. Criteria: Myriad Autosomal Dominant, Autosomal Recessive and X-Linked Classification Criteria (2023). Collection method: clinical testing. Allele origin: unknown.
Comment: NM_014363.4(SACS):c.11747T>A(L3916*) is a nonsense variant classified as pathogenic in the context of autosomal recessive spastic ataxia of Charlevoix-Saguenay. L3916* has not been observed in cases with relevant disease. Relevant functional assessments of this variant are not available in the literature. L3916* has not been observed in referenced population frequency databases. In summary, NM_014363.4(SACS):c.11747T>A(L3916*) is a nonsense variant in a gene where loss of function is a known mechanism of disease and is predicted to disrupt protein function. Please note: this variant was assessed in the context of healthy population screening.